The following is an entry in ClinVar:

NM_203475.3(PORCN):c.983C>A (p.Ser328Ter)

Gene: PORCN (porcupine O-acyltransferase; plus strand). Cytogenetic location: Xp11.23.
Variant type: single nucleotide variant.
Coding change: c.983C>A on transcript NM_203475.3 (MANE Select); coding-DNA position 983, C replaced by A.
Protein change: p.Ser328Ter; replaces serine 328 with a stop codon.
Molecular consequence: nonsense.
Genome position (GRCh38, 1-based): chrX:48,515,753, C>A. VCF-style: chrX-48515753-C-A. GRCh37 (hg19) VCF-style: chrX-48374141-C-A.
Other names: c.737C>A, p.Ser246Ter (NM_001282167.2); c.950C>A, p.Ser317Ter (NM_022825.4); c.968C>A, p.Ser323Ter (NM_203473.3); c.965C>A, p.Ser322Ter (NM_203474.1); short protein forms S322*, S323*, S317*, S246*, S328*.
Identifiers: ClinVar variation 1441030 (VCV001441030.6), dbSNP rs2061711476, ClinGen allele CA412848422.

ClinVar aggregate classification (germline): Pathogenic (1 of 4 stars; one submission).

Submission:

Labcorp Genetics (formerly Invitae), Labcorp
Classification: Pathogenic. Last evaluated: 2025-09-15. Review status: criteria provided, single submitter. Criteria: Invitae Variant Classification Sherloc (09022015). Collection method: clinical testing. Allele origin: germline.
Comment: This sequence change creates a premature translational stop signal (p.Ser328*) in the PORCN gene. It is expected to result in an absent or disrupted protein product. Loss-of-function variants in PORCN are known to be pathogenic (PMID: 17546030, 19309688). This variant is not present in population databases (gnomAD no frequency). This variant has not been reported in the literature in individuals affected with PORCN-related conditions. ClinVar contains an entry for this variant (Variation ID: 1441030). For these reasons, this variant has been classified as Pathogenic.

Literature cited by the submitters: PubMed 17546030; PubMed 19309688.